The following is an entry in ClinVar:

NM_006015.6(ARID1A):c.6017G>A (p.Gly2006Glu)

Gene: ARID1A (AT-rich interaction domain 1A; plus strand). Cytogenetic location: 1p36.11.
Variant type: single nucleotide variant.
Coding change: c.6017G>A on transcript NM_006015.6 (MANE Select); coding-DNA position 6017, G replaced by A.
Protein change: p.Gly2006Glu; replaces glycine 2006 with glutamic acid.
Molecular consequence: missense variant.
Genome position (GRCh38, 1-based): chr1:26,779,915, G>A. VCF-style: chr1-26779915-G-A. GRCh37 (hg19) VCF-style: chr1-27106406-G-A.
Other names: c.5366G>A, p.Gly1789Glu (NM_139135.4); short protein forms G1789E, G2006E.
Identifiers: ClinVar variation 1311061 (VCV001311061.3), dbSNP rs2081175269, ClinGen allele CA339189509.

ClinVar aggregate classification (germline): Uncertain significance. Review status: criteria provided, multiple submitters, no conflicts (2 of 4 stars). 2 submissions from 2 submitters: Uncertain significance (2). Last evaluated 2025-03-27.

Conditions:
Inborn genetic diseases. Identifiers: MedGen C0950123, MeSH D030342.

Allele frequency attached by ClinVar (database versions not stated): TOPMed below 0.00001; gnomAD 0.00001; gnomAD exomes 0.00001.
gnomAD v4.1: 16 of 1,613,962 alleles (0.00099%); highest among the groups gnomAD compares: Non-Finnish European, 0.0011%; no homozygotes.

Submissions (2):

Ambry Genetics
Classification: Uncertain significance for Inborn genetic diseases. Last evaluated: 2025-03-27. Review status: criteria provided, single submitter. Criteria: Ambry Variant Classification Scheme 2023. Collection method: clinical testing. Allele origin: germline.

GeneDx
Classification: Uncertain significance. Last evaluated: 2019-12-10. Review status: criteria provided, single submitter. Criteria: GeneDx Variant Classification Process June 2021. Collection method: clinical testing. Allele origin: germline. Affected: yes.
Comment: Not observed in large population cohorts (Lek et al., 2016); In silico analysis, which includes protein predictors and evolutionary conservation, supports a deleterious effect; Has not been previously published as pathogenic or benign to our knowledge